The following is an entry in ClinVar:

NM_000095.3(COMP):c.1200_1207delinsTT (p.Asp401_Ile403delinsLeu)

Gene: COMP (cartilage oligomeric matrix protein; minus strand). Cytogenetic location: 19p13.11.
Variant type: Indel.
Coding change: c.1200_1207delinsTT on transcript NM_000095.3 (MANE Select); coding-DNA positions 1200 to 1207, CGATGGTA replaced by TT.
Protein change: p.Asp401_Ile403delinsLeu.
Molecular consequence: inframe indel.
Genome position (GRCh38, 1-based): chr19:18,786,579-18,786,586, TACCATCG replaced by AA on the plus strand (CGATGGTA replaced by TT on the coding strand, the reverse complement: COMP is on the minus strand). VCF-style: chr19-18786579-TACCATCG-AA. GRCh37 (hg19) VCF-style: chr19-18897389-TACCATCG-AA.
Identifiers: ClinVar variation 4850837 (VCV004850837.1).
Genomic context (GRCh38, chr19:18,786,579, plus strand): 5'-GGCCTGCCCTCACCTGATCCGGGTTGCTCTTCTGGGGACAGTTGTCACAGGCATCCCCTA[TACCATCG>AA]CCATCACTGTCCTTCTGGTCTGAGTTGGGTACCCTAGGGCAGTTGTCGGCCTGGTTGCGG-3'

ClinVar aggregate classification (germline): Uncertain significance (1 of 4 stars; one submission).

Submission:

Greenwood Genetic Center Diagnostic Laboratories, Greenwood Genetic Center
Classification: Uncertain significance. Last evaluated: 2025-03-27. Review status: criteria provided, single submitter. Criteria: ACMG Guidelines, 2015. Collection method: clinical testing. Allele origin: germline.
Comment: PM2, PM4